The following is an entry in ClinVar:

NM_005762.3(TRIM28):c.723G>A (p.Gln241=)

Gene: TRIM28 (tripartite motif containing 28; plus strand). Cytogenetic location: 19q13.43.
Variant type: single nucleotide variant.
Coding change: c.723G>A on transcript NM_005762.3 (MANE Select); coding-DNA position 723, G replaced by A.
Protein change: p.Gln241=; no amino-acid change (glutamine 241 retained).
Molecular consequence: synonymous variant.
Genome position (GRCh38, 1-based): chr19:58,547,597, G>A. VCF-style: chr19-58547597-G-A. GRCh37 (hg19) VCF-style: chr19-59058964-G-A.
Identifiers: ClinVar variation 3036617 (VCV003036617.4), dbSNP rs141340061, ClinGen allele CA9718986.

ClinVar aggregate classification (germline): Likely benign. Review status: criteria provided, single submitter (1 of 4 stars). 2 submissions from 2 submitters: Likely benign (1). 1 of the submissions does not count toward it. Last evaluated 2025-10-08.

Conditions:
TRIM28-related disorder. Also called: TRIM28-related condition.

Allele frequency attached by ClinVar (database versions not stated): 1000 Genomes Project 0.00080; ESP Exome Variant Server 0.00054; gnomAD exomes 0.00004; ExAC 0.00012; gnomAD 0.00058; TOPMed 0.00058; 1000 Genomes Project 30x 0.00125.
gnomAD v4.1: 155 of 1,613,954 alleles (0.0096%); highest among the groups gnomAD compares: African/African-American, 0.17%; no homozygotes.

Submissions (2):

Labcorp Genetics (formerly Invitae), Labcorp
Classification: Likely benign. Last evaluated: 2025-10-08. Review status: criteria provided, single submitter. Criteria: Invitae Variant Classification Sherloc (09022015). Collection method: clinical testing. Allele origin: germline.

PreventionGenetics, part of Exact Sciences
Classification: Likely benign for TRIM28-related condition. Last evaluated: 2023-04-17. Review status: no assertion criteria provided. Collection method: clinical testing. Allele origin: germline. Not counted in ClinVar's aggregate classification.
Comment: This variant is classified as likely benign based on ACMG/AMP sequence variant interpretation guidelines (Richards et al. 2015 PMID: 25741868, with internal and published modifications).